The following is an entry in ClinVar:

ClinVar aggregate classification (germline): Uncertain significance (1 of 4 stars; one submission).

Conditions:
Mucopolysaccharidosis type 1. Also called: Mucopolysaccharidosis Type I; IDUA deficiency; MPS I. Identifiers: Orphanet 579, MedGen C0023786, MONDO:0001586.

Submission:

Labcorp Genetics (formerly Invitae), Labcorp
Classification: Uncertain significance for Mucopolysaccharidosis type 1. Last evaluated: 2022-05-03. Review status: criteria provided, single submitter. Criteria: Invitae Variant Classification Sherloc (09022015). Collection method: clinical testing. Allele origin: germline.
Comment: In summary, the available evidence is currently insufficient to determine the role of this variant in disease. Therefore, it has been classified as a Variant of Uncertain Significance. Algorithms developed to predict the effect of missense changes on protein structure and function are either unavailable or do not agree on the potential impact of this missense change (SIFT: "Deleterious"; PolyPhen-2: "Benign"; Align-GVGD: "Class C0"). This variant has not been reported in the literature in individuals affected with IDUA-related conditions. This variant is not present in population databases (gnomAD no frequency). This sequence change replaces valine, which is neutral and non-polar, with glycine, which is neutral and non-polar, at codon 595 of the IDUA protein (p.Val595Gly).

NM_000203.5(IDUA):c.1784T>G (p.Val595Gly)

Gene: IDUA (alpha-L-iduronidase; plus strand). Cytogenetic location: 4p16.3.
Variant type: single nucleotide variant.
Coding change: c.1784T>G on transcript NM_000203.5 (MANE Select); coding-DNA position 1784, T replaced by G.
Protein change: p.Val595Gly; replaces valine 595 with glycine.
Molecular consequence: missense variant. On other transcripts: non-coding transcript variant (1).
Genome position (GRCh38, 1-based): chr4:1,004,068, T>G. VCF-style: chr4-1004068-T-G. GRCh37 (hg19) VCF-style: chr4-997856-T-G.
Other names: c.1388T>G, p.Val463Gly (NM_001363576.1); short protein forms V595G, V463G.
Identifiers: ClinVar variation 2132928 (VCV002132928.4), dbSNP rs2534102608, ClinGen allele CA355965499.
Genomic context (GRCh38, chr4:1,004,068, plus strand): 5'-CCAGGTGCCTGTGGACATACGAGATCCAGTTCTCTCAGGACGGTAAGGCGTACACCCCGG[T>G]CAGCAGGAAGCCATCGACCTTCAACCTCTTTGTGTTCAGCCCAGGTGCGCCCACCACCCG-3'
Protein context (NP_000194.2, residues 585-605): FSQDGKAYTP[Val595Gly]SRKPSTFNLF